The following is an entry in ClinVar:

ClinVar aggregate classification (germline): Uncertain significance (1 of 4 stars; one submission).

Conditions:
Dilated cardiomyopathy 1G (CMD1G). Identifiers: Orphanet 154, MedGen C1858763, MONDO:0011400, OMIM 604145.
Autosomal recessive limb-girdle muscular dystrophy type 2J (LGMDR10). Also called: Limb-girdle muscular dystrophy, type 2J; MUSCULAR DYSTROPHY, LIMB-GIRDLE, AUTOSOMAL RECESSIVE 10. Identifiers: Orphanet 140922, MedGen C1837342, MONDO:0012127, OMIM 608807.

Submission:

Labcorp Genetics (formerly Invitae), Labcorp
Classification: Uncertain significance for Dilated cardiomyopathy 1G; Autosomal recessive limb-girdle muscular dystrophy type 2J. Last evaluated: 2020-10-08. Review status: criteria provided, single submitter. Criteria: Invitae Variant Classification Sherloc (09022015). Collection method: clinical testing. Allele origin: germline.
Comment: This variant is located in the Z band of TTN (PMID: 25589632). Variants in this region may be relevant for neuromuscular disorders, but have not been definitively shown to cause cardiomyopathy (PMID: 23975875). In summary, the available evidence is currently insufficient to determine the role of this variant in disease. Therefore, it has been classified as a Variant of Uncertain Significance. Nucleotide substitutions within the consensus splice site are a relatively common cause of aberrant splicing (PMID: 17576681, 9536098). Algorithms developed to predict the effect of sequence changes on RNA splicing suggest that this variant may disrupt the consensus splice site, but this prediction has not been confirmed by published transcriptional studies. This variant has not been reported in the literature in individuals with TTN-related conditions. This variant is not present in population databases (ExAC no frequency). This sequence change falls in intron 23 of the TTN gene. It does not directly change the encoded amino acid sequence of the TTN protein, but it affects a nucleotide within the consensus splice site of the intron.

Literature cited by the submitters: PubMed 25589632; PubMed 23975875; PubMed 17576681; PubMed 9536098.

NM_001267550.2(TTN):c.3963+3A>G

Genes: TTN (titin; minus strand), LOC101927055 (uncharacterized LOC101927055; plus strand). Cytogenetic location: 2q31.2.
Variant type: single nucleotide variant.
Coding change: c.3963+3A>G on transcript NM_001267550.2 (MANE Select); 3 bases into the intron after coding-DNA position 3963, A replaced by G.
Molecular consequence: intron variant.
Genome position (GRCh38, 1-based): chr2:178,779,226, T>C on the plus strand (A>G on the coding strand, the complement: TTN is on the minus strand). VCF-style: chr2-178779226-T-C. GRCh37 (hg19) VCF-style: chr2-179643953-T-C.
Other names: c.3825+3A>G (NM_003319.4, NM_133437.4, NM_133432.3); c.3963+3A>G (NM_133378.4, NM_001256850.1, NM_133379.5).
Identifiers: ClinVar variation 999995 (VCV000999995.9), dbSNP rs2092547968, ClinGen allele CA1310618687.
Genomic context (GRCh38, chr2:178,779,226, plus strand): 5'-TATATTTTAACCAATTTGTATCTTTACTGTGGCAAGGAGCTATGATAAATGTTTATATTT[T>C]ACCTTTGGTAATGGATATCCAGACATCTTGCAATGAAAAGTGACACCCATCCCCTCAAGA-3'